The following is an entry in ClinVar:

ClinVar aggregate classification (germline): Uncertain significance. Review status: criteria provided, multiple submitters, no conflicts (2 of 4 stars). 2 submissions from 2 submitters: Uncertain significance (2). Last evaluated 2025-02-06.

Conditions:
Inborn genetic diseases. Identifiers: MedGen C0950123, MeSH D030342.
Tall stature-scoliosis-macrodactyly of the great toes syndrome. Also called: Epiphyseal chondrodysplasia, miura type. Identifiers: Orphanet 329191, MedGen C4014690, MONDO:0014401, OMIM 615923.
Acromesomelic dysplasia 1, Maroteaux type (AMD1). Also called: ST. HELENA DYSPLASIA; ACROMESOMELIC DYSPLASIA 1. Identifiers: Orphanet 40, MedGen C1864356, MONDO:0011275, OMIM 602875.

Allele frequency attached by ClinVar (database versions not stated): TOPMed below 0.00001; gnomAD exomes 0.00001.
gnomAD v4.1: 12 of 1,613,972 alleles (0.00074%); highest among the groups gnomAD compares: Admixed American, 0.0017%; no homozygotes.

Submissions (2):

Ambry Genetics
Classification: Uncertain significance for Inborn genetic diseases. Last evaluated: 2025-02-06. Review status: criteria provided, single submitter. Criteria: Ambry Variant Classification Scheme 2023. Collection method: clinical testing. Allele origin: germline.

Labcorp Genetics (formerly Invitae), Labcorp
Classification: Uncertain significance for Tall stature-scoliosis-macrodactyly of the great toes syndrome; Acromesomelic dysplasia 1, Maroteaux type. Last evaluated: 2022-11-23. Review status: criteria provided, single submitter. Criteria: Invitae Variant Classification Sherloc (09022015). Collection method: clinical testing. Allele origin: germline.
Comment: This variant has not been reported in the literature in individuals affected with NPR2-related conditions. In summary, the available evidence is currently insufficient to determine the role of this variant in disease. Therefore, it has been classified as a Variant of Uncertain Significance. Advanced modeling of protein sequence and biophysical properties (such as structural, functional, and spatial information, amino acid conservation, physicochemical variation, residue mobility, and thermodynamic stability) performed at Invitae indicates that this missense variant is not expected to disrupt NPR2 protein function. This variant is not present in population databases (gnomAD no frequency). This sequence change replaces glutamic acid, which is acidic and polar, with alanine, which is neutral and non-polar, at codon 359 of the NPR2 protein (p.Glu359Ala).

NM_003995.4(NPR2):c.1076A>C (p.Glu359Ala)

Gene: NPR2 (natriuretic peptide receptor 2; plus strand). Cytogenetic location: 9p13.3.
Variant type: single nucleotide variant.
Coding change: c.1076A>C on transcript NM_003995.4 (MANE Select); coding-DNA position 1076, A replaced by C.
Protein change: p.Glu359Ala; replaces glutamic acid 359 with alanine.
Molecular consequence: missense variant.
Genome position (GRCh38, 1-based): chr9:35,800,110, A>C. VCF-style: chr9-35800110-A-C. GRCh37 (hg19) VCF-style: chr9-35800107-A-C.
Other names: c.1076A>C, p.Glu359Ala (NM_001378923.1); c.1076A>C (NM_003995.3); short protein forms E359A.
Identifiers: ClinVar variation 2180510 (VCV002180510.5), dbSNP rs1828090571, ClinGen allele CA373370084.